The following is an entry in ClinVar:

NM_000388.4(CASR):c.2161C>G (p.Leu721Val)

Gene: CASR (calcium sensing receptor; plus strand). Cytogenetic location: 3q21.1.
Variant type: single nucleotide variant.
Coding change: c.2161C>G on transcript NM_000388.4 (MANE Select); coding-DNA position 2161, C replaced by G.
Protein change: p.Leu721Val; replaces leucine 721 with valine.
Molecular consequence: missense variant.
Genome position (GRCh38, 1-based): chr3:122,284,115, C>G. VCF-style: chr3-122284115-C-G. GRCh37 (hg19) VCF-style: chr3-122002962-C-G.
Other names: c.2191C>G, p.Leu731Val (NM_001178065.2); short protein forms L721V, L731V.
Identifiers: ClinVar variation 1786921 (VCV001786921.2), dbSNP rs942603230, ClinGen allele CA354158843.

ClinVar aggregate classification (germline): Uncertain significance (1 of 4 stars; one submission).

Conditions:
Nephrolithiasis/nephrocalcinosis. Identifiers: MedGen CN580796.

Submission:

Ambry Genetics
Classification: Uncertain significance for Nephrolithiasis/nephrocalcinosis. Last evaluated: 2022-03-08. Review status: criteria provided, single submitter. Criteria: Ambry Variant Classification Scheme 2023. Collection method: clinical testing. Allele origin: germline.
Comment: The p.L721V variant (also known as c.2161C>G), located in coding exon 6 of the CASR gene, results from a C to G substitution at nucleotide position 2161. The leucine at codon 721 is replaced by valine, an amino acid with highly similar properties. This amino acid position is conserved. In addition, the in silico prediction for this alteration is inconclusive. Since supporting evidence is limited at this time, the clinical significance of this alteration remains unclear.